The following is an entry in ClinVar:

NM_016938.5(EFEMP2):c.989C>T (p.Pro330Leu)

Gene: EFEMP2 (EGF-like fibulin extracellular matrix protein 2; minus strand). Cytogenetic location: 11q13.1.
Variant type: single nucleotide variant.
Coding change: c.989C>T on transcript NM_016938.5 (MANE Select); coding-DNA position 989, C replaced by T.
Protein change: p.Pro330Leu; replaces proline 330 with leucine.
Molecular consequence: missense variant. On other transcripts: non-coding transcript variant (1).
Genome position (GRCh38, 1-based): chr11:65,868,042, G>A on the plus strand (C>T on the coding strand, the complement: EFEMP2 is on the minus strand). VCF-style: chr11-65868042-G-A. GRCh37 (hg19) VCF-style: chr11-65635513-G-A.
Other names: c.989C>T (NM_016938.4); short protein forms P330L.
Identifiers: ClinVar variation 1018657 (VCV001018657.10), dbSNP rs781029572, ClinGen allele CA6110440.

ClinVar aggregate classification (germline): Uncertain significance. Review status: criteria provided, multiple submitters, no conflicts (2 of 4 stars). 2 submissions from 2 submitters: Uncertain significance (2). Last evaluated 2022-11-15.

Conditions:
Cardiovascular phenotype. Identifiers: MedGen CN230736.
Cutis laxa, autosomal recessive, type 1B (ARCL1B). Also called: EFEMP2-Related Cutis Laxa; CUTIS LAXA, AUTOSOMAL RECESSIVE, TYPE IB. Identifiers: Orphanet 90349, MedGen C3280798, MONDO:0013754, OMIM 614437. Disease mechanism: loss of function.

Allele frequency attached by ClinVar (database versions not stated): gnomAD 0.00001; gnomAD exomes 0.00002 and 0.00003; TOPMed 0.00002; ExAC 0.00006.
gnomAD v4.1: 32 of 1,613,692 alleles (0.002%); highest among the groups gnomAD compares: South Asian, 0.029%; 1 homozygote.

Submissions (2):

Ambry Genetics
Classification: Uncertain significance for Cardiovascular phenotype. Last evaluated: 2022-11-15. Review status: criteria provided, single submitter. Criteria: Ambry Variant Classification Scheme 2023. Collection method: clinical testing. Allele origin: germline.
Comment: The p.P330L variant (also known as c.989C>T), located in coding exon 9 of the EFEMP2 gene, results from a C to T substitution at nucleotide position 989. The proline at codon 330 is replaced by leucine, an amino acid with similar properties. This amino acid position is conserved. In addition, this alteration is predicted to be deleterious by in silico analysis. Since supporting evidence is limited at this time, the clinical significance of this alteration remains unclear.

Labcorp Genetics (formerly Invitae), Labcorp
Classification: Uncertain significance for Cutis laxa, autosomal recessive, type 1B. Last evaluated: 2020-03-09. Review status: criteria provided, single submitter. Criteria: Invitae Variant Classification Sherloc (09022015). Collection method: clinical testing. Allele origin: germline.
Comment: This variant has not been reported in the literature in individuals with EFEMP2-related conditions. This sequence change replaces proline with leucine at codon 330 of the EFEMP2 protein (p.Pro330Leu). The proline residue is highly conserved and there is a moderate physicochemical difference between proline and leucine. This variant is present in population databases (rs781029572, ExAC 0.04%). Algorithms developed to predict the effect of missense changes on protein structure and function (SIFT, PolyPhen-2, Align-GVGD) all suggest that this variant is likely to be disruptive, but these predictions have not been confirmed by published functional studies and their clinical significance is uncertain. In summary, the available evidence is currently insufficient to determine the role of this variant in disease. Therefore, it has been classified as a Variant of Uncertain Significance.